The following is an entry in ClinVar:

NM_001164508.2(NEB):c.24382A>G (p.Asn8128Asp)

Genes: RIF1 (replication timing regulatory factor 1; plus strand), NEB (nebulin; minus strand). Cytogenetic location: 2q23.3.
Variant type: single nucleotide variant.
Coding change: c.24382A>G on transcript NM_001164508.2 (MANE Select); coding-DNA position 24382, A replaced by G.
Protein change: p.Asn8128Asp; replaces asparagine 8128 with aspartic acid.
Molecular consequence: missense variant. On other transcripts: intron variant (1).
Genome position (GRCh38, 1-based): chr2:151,496,952, T>C on the plus strand (A>G on the coding strand, the complement: NEB is on the minus strand). VCF-style: chr2-151496952-T-C. GRCh37 (hg19) VCF-style: chr2-152353466-T-C.
Other names: c.24382A>G, p.Asn8128Asp (NM_001164507.2); c.24487A>G, p.Asn8163Asp (NM_001271208.2); c.18826-584A>G (NM_004543.5); short protein forms N8163D, N8128D.
Identifiers: ClinVar variation 642598 (VCV000642598.10), dbSNP rs960735572, ClinGen allele CA57668166.

ClinVar aggregate classification (germline): Uncertain significance. Review status: criteria provided, multiple submitters, no conflicts (2 of 4 stars). 4 submissions from 4 submitters: Uncertain significance (3). 1 of the submissions does not count toward it. Last evaluated 2021-09-01.

Conditions:
Nemaline myopathy 2 (NEM2). Also called: Nemaline myopathy 2, autosomal recessive. Identifiers: MedGen C1850569, MONDO:0009725, OMIM 256030.

Allele frequency attached by ClinVar (database versions not stated): gnomAD 0.00001; gnomAD exomes 0.00001; TOPMed 0.00001.
gnomAD v4.1: 14 of 1,575,922 alleles (0.00089%); highest among the groups gnomAD compares: Non-Finnish European, 0.00095%; no homozygotes.

Submissions (4):

Labcorp Genetics (formerly Invitae), Labcorp
Classification: Uncertain significance for Nemaline myopathy 2. Last evaluated: 2021-09-01. Review status: criteria provided, single submitter. Criteria: Invitae Variant Classification Sherloc (09022015). Collection method: clinical testing. Allele origin: germline.
Comment: This sequence change replaces asparagine with aspartic acid at codon 8163 of the NEB protein (p.Asn8163Asp). The asparagine residue is weakly conserved and there is a small physicochemical difference between asparagine and aspartic acid. This variant is not present in population databases (ExAC no frequency). This variant has not been reported in the literature in individuals affected with NEB-related conditions. Algorithms developed to predict the effect of missense changes on protein structure and function are either unavailable or do not agree on the potential impact of this missense change (SIFT: "Deleterious"; PolyPhen-2: "Not Available"; Align-GVGD: "Class C0"). In summary, the available evidence is currently insufficient to determine the role of this variant in disease. Therefore, it has been classified as a Variant of Uncertain Significance.

Revvity Omics, Revvity
Classification: Uncertain significance. Last evaluated: 2020-03-03. Review status: criteria provided, single submitter. Criteria: ACMG Guidelines, 2015. Collection method: clinical testing. Allele origin: germline.

GeneDx
Classification: Uncertain significance. Last evaluated: 2019-06-13. Review status: criteria provided, single submitter. Criteria: GeneDx Variant Classification Process June 2021. Collection method: clinical testing. Allele origin: germline. Affected: yes.
Comment: Not observed at a significant frequency in large population cohorts (Lek et al., 2016); In silico analysis, which includes protein predictors and evolutionary conservation, supports a deleterious effect; Missense variant in a gene in which most reported pathogenic variants are truncating/loss-of-function; Has not been previously published as pathogenic or benign to our knowledge

Natera, Inc.
Classification: Uncertain significance for Nemaline myopathy type 2. Last evaluated: 2021-01-26. Review status: no assertion criteria provided. Collection method: clinical testing. Allele origin: germline. Not counted in ClinVar's aggregate classification.